The following is an entry in ClinVar:

ClinVar aggregate classification (germline): Uncertain significance. Review status: criteria provided, multiple submitters, no conflicts (2 of 4 stars). 2 submissions from 2 submitters: Uncertain significance (2). Last evaluated 2025-06-09.

Conditions:
Inborn genetic diseases. Identifiers: MedGen C0950123, MeSH D030342.

Allele frequency attached by ClinVar (database versions not stated): TOPMed below 0.00001; gnomAD 0.00001; gnomAD exomes 0.00001.
gnomAD v4.1: 14 of 1,613,696 alleles (0.00087%); highest among the groups gnomAD compares: Non-Finnish European, 0.0012%; no homozygotes.

Submissions (2):

Ambry Genetics
Classification: Uncertain significance for Inborn genetic diseases. Last evaluated: 2025-06-09. Review status: criteria provided, single submitter. Criteria: Ambry Variant Classification Scheme 2023. Collection method: clinical testing. Allele origin: germline.

Quest Diagnostics Nichols Institute San Juan Capistrano
Classification: Uncertain significance. Last evaluated: 2023-05-30. Review status: criteria provided, single submitter. Criteria: Quest Diagnostics criteria. Collection method: clinical testing. Allele origin: unknown.
Comment: To the best of our knowledge, this variant has not been reported in the published literature. The frequency of this variant in the general population, 0.000091 (3/33040 chromosomes (Genome Aggregation Database)), is uninformative in the assessment of its pathogenicity. Analysis of this variant using bioinformatics tools for the prediction of the effect of amino acid changes on protein structure and function yielded predictions that this variant is benign. Based on the available information, we are unable to determine the clinical significance of this variant.

NM_000552.5(VWF):c.4724G>A (p.Arg1575Lys)

Gene: VWF (von Willebrand factor; minus strand). Cytogenetic location: 12p13.31.
Variant type: single nucleotide variant.
Coding change: c.4724G>A on transcript NM_000552.5 (MANE Select); coding-DNA position 4724, G replaced by A.
Protein change: p.Arg1575Lys; replaces arginine 1575 with lysine.
Molecular consequence: missense variant.
Genome position (GRCh38, 1-based): chr12:6,018,694, C>T on the plus strand (G>A on the coding strand, the complement: VWF is on the minus strand). VCF-style: chr12-6018694-C-T. GRCh37 (hg19) VCF-style: chr12-6127860-C-T.
Other names: c.4724G>A (NM_000552.3); short protein forms R1575K.
Identifiers: ClinVar variation 2682116 (VCV002682116.2), dbSNP rs1407490710, ClinGen allele CA383499900.